The following is an entry in ClinVar:

ClinVar aggregate classification (germline): Pathogenic (1 of 4 stars; one submission).

Conditions:
Waardenburg syndrome type 4A (WS4A). Also called: WAARDENBURG SYNDROME WITH HIRSCHSPRUNG DISEASE, TYPE 4A. Identifiers: Orphanet 897, MedGen C1848519, MONDO:0010192, OMIM 277580.

Submission:

Petrovsky National Research Centre of Surgery, The Federal Agency for Scientific Organizations
Classification: Pathogenic for Waardenburg syndrome type 4A. Last evaluated: 2018-10-24. Review status: criteria provided, single submitter. Criteria: ACMG Guidelines, 2015. Collection method: research. Allele origin: de novo. Affected: yes. Observed: 1 heterozygote.
Comment: To our knowledge, this variant is absent from population databases. The variant affects the canonical slice site, had arisen de novo and thus meets the ACMG criteria for pathogenic variants.

NM_006941.4(SOX10):c.429-1G>A

Genes: POLR2F (RNA polymerase II, I and III subunit F; plus strand), SOX10 (SRY-box transcription factor 10; minus strand). Cytogenetic location: 22q13.1.
Variant type: single nucleotide variant.
Coding change: c.429-1G>A on transcript NM_006941.4 (MANE Select); the canonical splice acceptor site of the intron before coding-DNA position 429, G replaced by A.
Molecular consequence: splice acceptor variant. On other transcripts: intron variant (3).
Genome position (GRCh38, 1-based): chr22:37,978,136, C>T on the plus strand (G>A on the coding strand, the complement: SOX10 is on the minus strand). VCF-style: chr22-37978136-C-T. GRCh37 (hg19) VCF-style: chr22-38374143-C-T.
Other names: c.*38+5826C>T (NM_001363825.1); c.294-8018C>T (NM_001301130.2); c.293+10966C>T (NM_001301131.2).
Identifiers: ClinVar variation 590850 (VCV000590850.4), dbSNP rs1569169328, ClinGen allele CA411498218.
Genomic context (GRCh38, chr22:37,978,136, plus strand): 5'-TGCATACGGAGCCGCTCAGCCTCCTCGATGAAGGGGCGCTTGTCACTTTCGTTCAGCAGC[C>T]TGGGGTGTGGTGGGAGGCGGAGAGGACAGCAGAGGGGCTGGCGTGAATGCCAGAGCACTC-3'